The following is an entry in ClinVar:

NM_001102469.2(LIPN):c.731C>T (p.Thr244Ile)

Gene: LIPN (lipase family member N; plus strand). Cytogenetic location: 10q23.31.
Variant type: single nucleotide variant.
Coding change: c.731C>T on transcript NM_001102469.2 (MANE Select); coding-DNA position 731, C replaced by T.
Protein change: p.Thr244Ile; replaces threonine 244 with isoleucine.
Molecular consequence: missense variant.
Genome position (GRCh38, 1-based): chr10:88,770,903, C>T. VCF-style: chr10-88770903-C-T. GRCh37 (hg19) VCF-style: chr10-90530660-C-T.
Other names: short protein forms T244I.
Identifiers: ClinVar variation 4796999 (VCV004796999.1).
Genomic context (GRCh38, chr10:88,770,903, plus strand): 5'-AGGCTGTTTTTGGTACCAAAGGTTTCTTTTTAGAAGATAAGAAAACGAAGATAGCTTCTA[C>T]CAAAATCTGCAACAATAAGATACTCTGGTTGATATGTAGCGAATTTATGTCCTTATGGGC-3'
Protein context (NP_001095939.1, residues 234-254): LEDKKTKIAS[Thr244Ile]KICNNKILWL

ClinVar aggregate classification (germline): Uncertain significance (1 of 4 stars; one submission).

gnomAD v4.1: 73 of 1,546,512 alleles (0.0047%); highest among the groups gnomAD compares: Middle Eastern, 0.034%; no homozygotes.

Submission:

Labcorp Genetics (formerly Invitae), Labcorp
Classification: Uncertain significance. Last evaluated: 2025-12-19. Review status: criteria provided, single submitter. Criteria: Invitae Variant Classification Sherloc (09022015). Collection method: clinical testing. Allele origin: germline.
Comment: This sequence change replaces threonine, which is neutral and polar, with isoleucine, which is neutral and non-polar, at codon 244 of the LIPN protein (p.Thr244Ile). This variant is present in population databases (rs10788611, gnomAD 0.1%), and has an allele count higher than expected for a pathogenic variant. This variant has not been reported in the literature in individuals affected with LIPN-related conditions. An algorithm developed to predict the effect of missense changes on protein structure and function outputs the following: PolyPhen-2: "Benign". The isoleucine amino acid residue is found in multiple mammalian species, which suggests that this missense change does not adversely affect protein function. In summary, the available evidence is currently insufficient to determine the role of this variant in disease. Therefore, it has been classified as a Variant of Uncertain Significance.